The following is an entry in ClinVar:

NM_001943.5(DSG2):c.2340G>A (p.Ala780=)

Genes: DSG2 (desmoglein 2; plus strand), DSG2-AS1 (DSG2 antisense RNA 1; minus strand). Cytogenetic location: 18q12.1.
Variant type: single nucleotide variant.
Coding change: c.2340G>A on transcript NM_001943.5 (MANE Select); coding-DNA position 2340, G replaced by A.
Protein change: p.Ala780=; no amino-acid change (alanine 780 retained).
Molecular consequence: synonymous variant.
Genome position (GRCh38, 1-based): chr18:31,545,726, G>A. VCF-style: chr18-31545726-G-A. GRCh37 (hg19) VCF-style: chr18-29125689-G-A.
Identifiers: ClinVar variation 921038 (VCV000921038.14), dbSNP rs375539435, ClinGen allele CA045836.

ClinVar aggregate classification (germline): Likely benign. Review status: criteria provided, multiple submitters, no conflicts (2 of 4 stars). 5 submissions from 5 submitters: Likely benign (5). Last evaluated 2026-01-15.

Conditions:
Cardiomyopathy (CMYO). Also called: Cardiomyopathies. Identifiers: Orphanet 167848, MedGen C0878544, MONDO:0004994, HP:0001638. Inheritance: Various modes of inheritance.
Arrhythmogenic right ventricular dysplasia 10. Also called: Arrhythmogenic Right Ventricular Dysplasia/Cardiomyopathy10; Arrhythmogenic right ventricular dysplasia/cardiomyopathy, type 10; ARRHYTHMOGENIC RIGHT VENTRICULAR DYSPLASIA, FAMILIAL, 10. Identifiers: MedGen C1857777, MONDO:0012434, OMIM 610193.
Cardiovascular phenotype. Identifiers: MedGen CN230736.
Arrhythmogenic right ventricular cardiomyopathy (ARVD). Also called: Cardiomyopathy, ARVC; Arrhythmogenic right ventricular dysplasia; Arrhythmogenic cardiomyopathy; Arrhythmogenic Right Ventricular Cardiomyopathy (ARVC). Identifiers: Orphanet 247, MedGen C0349788, MeSH D019571, MONDO:0016587. Disease mechanism: loss of function. Inheritance: Various modes of inheritance.

Allele frequency attached by ClinVar (database versions not stated): TOPMed 0.00001.
gnomAD v4.1: 16 of 1,613,432 alleles (0.00099%); highest among the groups gnomAD compares: South Asian, 0.0055%; no homozygotes.

Submissions (5):

Labcorp Genetics (formerly Invitae), Labcorp
Classification: Likely benign for Arrhythmogenic right ventricular dysplasia 10. Last evaluated: 2026-01-15. Review status: criteria provided, single submitter. Criteria: Invitae Variant Classification Sherloc (09022015). Collection method: clinical testing. Allele origin: germline.

All of Us Research Program, National Institutes of Health
Classification: Likely benign for Arrhythmogenic right ventricular cardiomyopathy. Last evaluated: 2024-08-06. Review status: criteria provided, single submitter. Criteria: ACMG Guidelines, 2015. Collection method: clinical testing. Allele origin: germline. Inheritance: Autosomal dominant inheritance. Observed: 5 variant alleles, 5 heterozygotes.
Comment: This study involves interpretation of variants in research participants for the purpose of population health screening. Participant phenotype was not available at the time of variant classification. Additional details can be found in publication PMID: 35346344, PMCID: PMC8962531

Blueprint Genetics
Classification: Likely benign. Last evaluated: 2021-08-11. Review status: criteria provided, single submitter. Criteria: ACMG Guidelines, 2015. Collection method: clinical testing. Allele origin: germline.

Ambry Genetics
Classification: Likely benign for Cardiovascular phenotype. Last evaluated: 2021-02-13. Review status: criteria provided, single submitter. Criteria: Ambry Variant Classification Scheme 2023. Collection method: clinical testing. Allele origin: germline.

Color Diagnostics, LLC DBA Color Health
Classification: Likely benign for Cardiomyopathy. Last evaluated: 2019-04-14. Review status: criteria provided, single submitter. Criteria: ACMG Guidelines, 2015. Collection method: clinical testing. Allele origin: germline.